The following is an entry in ClinVar:

ClinVar aggregate classification (germline): Uncertain significance (1 of 4 stars; one submission).

Conditions:
Neuropathy, hereditary motor and sensory, type 6B (HMSN6B). Also called: NEUROPATHY, HEREDITARY MOTOR AND SENSORY, TYPE VIB, WITH OPTIC ATROPHY; Neuropathy, hereditary motor and sensory, type VIB; HMSN VIB; CHARCOT-MARIE-TOOTH DISEASE, TYPE 6B. Identifiers: MedGen C4225302, MONDO:0014671, OMIM 616505.

gnomAD v4.1: 1 of 1,582,020 alleles (0.000063%); highest among the groups gnomAD compares: Non-Finnish European, 0.000086%; no homozygotes.

Submission:

Labcorp Genetics (formerly Invitae), Labcorp
Classification: Uncertain significance for Neuropathy, hereditary motor and sensory, type 6B. Last evaluated: 2020-08-14. Review status: criteria provided, single submitter. Criteria: Invitae Variant Classification Sherloc (09022015). Collection method: clinical testing. Allele origin: germline.
Comment: This sequence change affects an acceptor splice site in the last intron (intron 7) of the SLC25A46 gene. While this is not anticipated to result in nonsense mediated decay, it likely alters RNA splicing and results in a disrupted protein product. This variant is not present in population databases (ExAC no frequency). In summary, the available evidence is currently insufficient to determine the role of this variant in disease. Therefore, it has been classified as a Variant of Uncertain Significance. Nucleotide substitutions within the consensus splice site are a relatively common cause of aberrant splicing (PMID: 17576681, 9536098). Algorithms developed to predict the effect of sequence changes on RNA splicing suggest that this variant may disrupt the consensus splice site, but this prediction has not been confirmed by published transcriptional studies. This variant has not been reported in the literature in individuals with SLC25A46-related conditions.

Literature cited by the submitters: PubMed 17576681; PubMed 9536098.

NM_138773.4(SLC25A46):c.679-1G>A

Gene: SLC25A46 (solute carrier family 25 member 46; plus strand). Cytogenetic location: 5q22.1.
Variant type: single nucleotide variant.
Coding change: c.679-1G>A on transcript NM_138773.4 (MANE Select); the canonical splice acceptor site of the intron before coding-DNA position 679, G replaced by A.
Molecular consequence: splice acceptor variant. On other transcripts: intron variant (1).
Genome position (GRCh38, 1-based): chr5:110,761,203, G>A. VCF-style: chr5-110761203-G-A. GRCh37 (hg19) VCF-style: chr5-110096903-G-A.
Other names: c.406-1G>A (NM_001303250.3); c.679-244G>A (NM_001303249.3).
Identifiers: ClinVar variation 1046082 (VCV001046082.7), dbSNP rs1800238919, ClinGen allele CA360695970.
Genomic context (GRCh38, chr5:110,761,203, plus strand): 5'-CTTTTTCTGTGGCAAAATAAGCAAATGTTAAGTTTTACTTATTTCATCATTTTTATTTCA[G>A]AGTGAGATAATTCGAGATAATACTGGCATTTTGGAGTGTGTTAAAGAAGGAATTGGAAGA-3'